The following is an entry in ClinVar:

ClinVar aggregate classification (germline): Conflicting classifications of pathogenicity. Review status: criteria provided, conflicting classifications (1 of 4 stars). 5 submissions from 1 submitter: Uncertain significance (1); Benign (4). Last evaluated 2018-01-13.

Conditions:
Congenital myasthenic syndrome 16. Identifiers: Orphanet 590, MedGen C3280112, MONDO:0013620, OMIM 614198.
Paramyotonia congenita of Von Eulenburg. Also called: Paramyotonia Congenita; PARALYSIS PERIODICA PARAMYOTONICA; Eulenburg disease; Myotonia congenita intermittens; Von Eulenburg paramyotonia congenita. Identifiers: Orphanet 684, MedGen C0221055, MONDO:0008195, OMIM 168300. Disease mechanism: loss of function.
Hyperkalemic periodic paralysis. Also called: Familial hyperkalemic periodic paralysis; Gamstorp disease. Identifiers: Orphanet 682, MedGen C0238357, MONDO:0008224, OMIM 170500, HP:0007215.
Hypokalemic periodic paralysis, type 2 (HOKPP2). Identifiers: Orphanet 681, MedGen C2750061, MONDO:0013234, OMIM 613345.
Potassium-aggravated myotonia. Also called: Myotonia congenita, atypical, acetazolamide-responsive; MYOTONIA CONGENITA, ACETAZOLAMIDE-RESPONSIVE; MYOTONIA CONGENITA, ATYPICAL; SODIUM CHANNEL MUSCLE DISEASE. Identifiers: Orphanet 612, Orphanet 99734, Orphanet 99735, Orphanet 99736, MedGen C2931826, MONDO:0018959, OMIM 608390.

Allele frequency attached by ClinVar (database versions not stated): TOPMed 0.00028; 1000 Genomes Project 0.00140; gnomAD 0.00009 and 0.00013; 1000 Genomes Project 30x 0.00125.

Submissions (5):

Illumina Laboratory Services, Illumina
Classification: Benign for Paramyotonia congenita of Von Eulenburg. Last evaluated: 2018-01-13. Review status: criteria provided, single submitter. Criteria: ICSL Variant Classification Criteria 13 December 2019. Collection method: clinical testing. Allele origin: germline.
Comment: This variant was observed in the ICSL laboratory as part of a predisposition screen in an ostensibly healthy population. It had not been previously curated by ICSL or reported in the Human Gene Mutation Database (HGMD: prior to June 1st, 2018), and was therefore a candidate for classification through an automated scoring system. Utilizing variant allele frequency, disease prevalence and penetrance estimates, and inheritance mode, an automated score was calculated to assess if this variant is too frequent to cause the disease. Based on the score and internal cut-off values, a variant classified as benign is not then subjected to further curation. The score for this variant resulted in a classification of benign for this disease.

Illumina Laboratory Services, Illumina
Classification: Benign for Potassium-aggravated myotonia. Last evaluated: 2018-01-13. Review status: criteria provided, single submitter. Criteria: ICSL Variant Classification Criteria 13 December 2019. Collection method: clinical testing. Allele origin: germline.
Comment: the same text as in the submission from Illumina Laboratory Services, Illumina above.

Illumina Laboratory Services, Illumina
Classification: Uncertain significance for Congenital myasthenic syndrome 16. Last evaluated: 2018-01-13. Review status: criteria provided, single submitter. Criteria: ICSL Variant Classification Criteria 13 December 2019. Collection method: clinical testing. Allele origin: germline.

Illumina Laboratory Services, Illumina
Classification: Benign for Hypokalemic periodic paralysis, type 2. Last evaluated: 2018-01-13. Review status: criteria provided, single submitter. Criteria: ICSL Variant Classification Criteria 13 December 2019. Collection method: clinical testing. Allele origin: germline.
Comment: the same text as in the submission from Illumina Laboratory Services, Illumina above.

Illumina Laboratory Services, Illumina
Classification: Benign for Hyperkalemic periodic paralysis. Last evaluated: 2018-01-13. Review status: criteria provided, single submitter. Criteria: ICSL Variant Classification Criteria 13 December 2019. Collection method: clinical testing. Allele origin: germline.
Comment: the same text as in the submission from Illumina Laboratory Services, Illumina above.

NM_000334.4(SCN4A):c.*1916C>T

Genes: GH-LCR (growth hormone locus control region; plus strand), SCN4A (sodium voltage-gated channel alpha subunit 4; minus strand). Cytogenetic location: 17q23.3.
Variant type: single nucleotide variant.
Coding change: c.*1916C>T on transcript NM_000334.4 (MANE Select); 1916 bases downstream of the stop codon, C replaced by T.
Molecular consequence: 3 prime UTR variant.
Genome position (GRCh38, 1-based): chr17:63,938,855, G>A on the plus strand (C>T on the coding strand, the complement: SCN4A is on the minus strand). VCF-style: chr17-63938855-G-A. GRCh37 (hg19) VCF-style: chr17-62016215-G-A.
Identifiers: ClinVar variation 324468 (VCV000324468.5), dbSNP rs139537251, ClinGen allele CA10646423.